The following is an entry in ClinVar:

ClinVar aggregate classification (germline): Likely benign. Review status: criteria provided, multiple submitters, no conflicts (2 of 4 stars). 2 submissions from 2 submitters: Likely benign (2). Last evaluated 2024-10-12.

Conditions:
Oligodontia-cancer predisposition syndrome. Also called: TOOTH AGENESIS-COLORECTAL CANCER SYNDROME. Identifiers: Orphanet 300576, MedGen C1837750, MONDO:0012075, OMIM 608615. Disease mechanism: loss of function.

Allele frequency attached by ClinVar (database versions not stated): gnomAD exomes below 0.00001.

Submissions (2):

Labcorp Genetics (formerly Invitae), Labcorp
Classification: Likely benign for Oligodontia-cancer predisposition syndrome. Last evaluated: 2024-10-12. Review status: criteria provided, single submitter. Criteria: Invitae Variant Classification Sherloc (09022015). Collection method: clinical testing. Allele origin: germline.

Myriad Genetics, Inc.
Classification: Likely benign for Oligodontia-cancer predisposition syndrome. Last evaluated: 2024-06-28. Review status: criteria provided, single submitter. Criteria: Myriad Autosomal Dominant, Autosomal Recessive and X-Linked Classification Criteria (2023). Collection method: clinical testing. Allele origin: unknown.
Comment: This variant is considered likely benign. This variant is intronic and is not expected to impact mRNA splicing.

NM_004655.4(AXIN2):c.957-15T>C

Gene: AXIN2 (axin 2; minus strand). Cytogenetic location: 17q24.1.
Variant type: single nucleotide variant.
Coding change: c.957-15T>C on transcript NM_004655.4 (MANE Select); 15 bases into the intron before coding-DNA position 957, T replaced by C.
Molecular consequence: intron variant.
Genome position (GRCh38, 1-based): chr17:65,541,572, A>G on the plus strand (T>C on the coding strand, the complement: AXIN2 is on the minus strand). VCF-style: chr17-65541572-A-G. GRCh37 (hg19) VCF-style: chr17-63537690-A-G.
Other names: c.957-15T>C (NM_001363813.1).
Identifiers: ClinVar variation 3254274 (VCV003254274.3), dbSNP rs2544197211.
Genomic context (GRCh38, chr17:65,541,572, plus strand): 5'-CTGGAGCTGTTTCTTACTGCCCACACGATAAGGAGGAATTCCATCTCTAAGGGAAAGGAA[A>G]AGACAGAATCCACAGGCTTACGAGGATGTTTTCAGCACATCACATGGGCTACTGTCATAT-3'